The following is an entry in ClinVar:

NM_019892.6(INPP5E):c.490dup (p.Val164fs)

Gene: INPP5E (inositol polyphosphate-5-phosphatase E; minus strand). Cytogenetic location: 9q34.3.
Variant type: Duplication.
Coding change: c.490dup on transcript NM_019892.6 (MANE Select); coding-DNA position 490, one base duplicated (G; older notation c.490dupG).
Protein change: p.Val164fs; shifts the reading frame from valine 164.
Molecular consequence: frameshift variant.
Genome position (GRCh38, 1-based): chr9:136,438,930, C duplicated on the plus strand (G on the coding strand, the reverse complement: INPP5E is on the minus strand); the first of 4 consecutive C bases (chr9:136,438,930-136,438,933); duplicating any one gives the same sequence. VCF-style (leftmost placement, unchanged base first): chr9-136438929-A-AC. GRCh37 (hg19) VCF-style: chr9-139333381-A-AC.
Other names: c.490dup, p.Val164fs (NM_001318502.2); short protein forms V164fs.
Identifiers: ClinVar variation 279812 (VCV000279812.2), dbSNP rs886041204, ClinGen allele CA10603128.

ClinVar aggregate classification (germline): Pathogenic (1 of 4 stars; one submission).

Submission:

GeneDx
Classification: Pathogenic. Last evaluated: 2015-06-15. Review status: criteria provided, single submitter. Criteria: GeneDx Variant Classification (06012015). Collection method: clinical testing. Allele origin: germline. Affected: yes.
Comment: The c.490dupG variant in the INPP5E gene has not been reported previously as a pathogenic variant nor as a benign polymorphism, to our knowledge. The c.490dupG variant causes a frameshift starting with codon Valine 164, changes this amino acid to a Glycine residue, and creates a premature Stop codon at position 126 of the new reading frame, denoted p.Val164GlyfsX126. This variant is predicted to cause loss of normal protein function either through protein truncation or nonsense-mediated mRNA decay. The c.490dupG variant was not observed in approximately 6200 individuals of European and African American ancestry in the NHLBI Exome Sequencing Project, indicating it is not a common benign variant in these populations. We interpret c.490dupG as a pathogenic variant.